The following is an entry in ClinVar:

ClinVar aggregate classification (germline): Likely pathogenic. Review status: criteria provided, multiple submitters, no conflicts (2 of 4 stars). 2 submissions from 2 submitters: Likely pathogenic (2). Last evaluated 2023-01-05.

Conditions:
Spinocerebellar ataxia type 14 (SCA14). Identifiers: Orphanet 98763, MedGen C1854369, MONDO:0011540, OMIM 605361.

Submissions (2):

Mayo Clinic Laboratories, Mayo Clinic
Classification: Likely pathogenic. Last evaluated: 2023-01-05. Review status: criteria provided, single submitter. Criteria: ACMG Guidelines, 2015. Collection method: clinical testing. Allele origin: germline. Observed: 1 variant allele.
Comment: PP3, PM1, PM2, PM5

Mendelics
Classification: Likely pathogenic for Spinocerebellar ataxia type 14. Last evaluated: 2019-05-28. Review status: criteria provided, single submitter. Criteria: Mendelics Assertion Criteria 2017. Collection method: clinical testing. Allele origin: unknown.

NM_002739.5(PRKCG):c.379C>A (p.Gln127Lys)

Gene: PRKCG (protein kinase C gamma; plus strand). Cytogenetic location: 19q13.42.
Variant type: single nucleotide variant.
Coding change: c.379C>A on transcript NM_002739.5 (MANE Select); coding-DNA position 379, C replaced by A.
Protein change: p.Gln127Lys; replaces glutamine 127 with lysine.
Molecular consequence: missense variant.
Genome position (GRCh38, 1-based): chr19:53,889,731, C>A. VCF-style: chr19-53889731-C-A. GRCh37 (hg19) VCF-style: chr19-54392985-C-A.
Other names: p.Gln127Lys; c.379C>A, p.Gln127Lys (NM_001316329.2); short protein forms Q127K.
Identifiers: ClinVar variation 804150 (VCV000804150.2), dbSNP rs1599943097, ClinGen allele CA407414280.